The following is an entry in ClinVar:

ClinVar aggregate classification (germline): Benign. Review status: criteria provided, multiple submitters, no conflicts (2 of 4 stars). 2 submissions from 2 submitters: Benign (2). Last evaluated 2018-01-13.

Conditions:
Seizures, benign familial neonatal, 2. Also called: CONVULSIONS, BENIGN FAMILIAL NEONATAL, 2; KCNQ3-Related Self-Limited Familial Neonatal Epilepsy (SLFNE); Benign Neonatal Epilepsy 2; KCNQ3-Related Benign Familial Neonatal Epilepsy; Seizures, benign neonatal, 2. Identifiers: Orphanet 1949, MedGen C1852581, MONDO:0007366, OMIM 121201.

Allele frequency attached by ClinVar (database versions not stated): 1000 Genomes Project 30x 0.13585; TOPMed 0.19720; 1000 Genomes Project 0.13478; gnomAD 0.20211.

Submissions (2):

Illumina Laboratory Services, Illumina
Classification: Benign for Seizures, benign familial neonatal, 2. Last evaluated: 2018-01-13. Review status: criteria provided, single submitter. Criteria: ICSL Variant Classification Criteria 13 December 2019. Collection method: clinical testing. Allele origin: germline.
Comment: This variant was observed in the ICSL laboratory as part of a predisposition screen in an ostensibly healthy population. It had not been previously curated by ICSL or reported in the Human Gene Mutation Database (HGMD: prior to June 1st, 2018), and was therefore a candidate for classification through an automated scoring system. Utilizing variant allele frequency, disease prevalence and penetrance estimates, and inheritance mode, an automated score was calculated to assess if this variant is too frequent to cause the disease. Based on the score and internal cut-off values, a variant classified as benign is not then subjected to further curation. The score for this variant resulted in a classification of benign for this disease.

Breakthrough Genomics
Classification: Benign. Review status: criteria provided, single submitter. Criteria: ACMG Guidelines, 2015. Collection method: not provided. Allele origin: germline. Inheritance: Autosomal dominant inheritance. Affected: yes.

NM_004519.4(KCNQ3):c.*6874C>G

Gene: KCNQ3 (potassium voltage-gated channel subfamily Q member 3; minus strand). Cytogenetic location: 8q24.22.
Variant type: single nucleotide variant.
Coding change: c.*6874C>G on transcript NM_004519.4 (MANE Select); 6874 bases downstream of the stop codon, C replaced by G.
Molecular consequence: 3 prime UTR variant.
Genome position (GRCh38, 1-based): chr8:132,122,388, G>C on the plus strand (C>G on the coding strand, the complement: KCNQ3 is on the minus strand). VCF-style: chr8-132122388-G-C. GRCh37 (hg19) VCF-style: chr8-133134635-G-C.
Other names: c.*6874C>G (NM_001204824.2).
Identifiers: ClinVar variation 361767 (VCV000361767.7), dbSNP rs2436129, ClinGen allele CA10626998.
Genomic context (GRCh38, chr8:132,122,388, plus strand): 5'-CCTTCCCTGACCTCACTTTTGTGGGCAGAGGAAGAGAAGGGAACATTAACATAAAATATG[G>C]TCTCATTTTTTATTACTCTTAGGTATCAAATTGCAGTCCATTCGACAAGTCTAAGAGGAA-3'